The following is an entry in ClinVar:

ClinVar aggregate classification (germline): Uncertain significance (1 of 4 stars; one submission).

Conditions:
Inborn genetic diseases. Identifiers: MedGen C0950123, MeSH D030342.

gnomAD v4.1: 1 of 1,612,278 alleles (0.000062%); highest among the groups gnomAD compares: Non-Finnish European, 0.000085%; no homozygotes.

Submission:

Ambry Genetics
Classification: Uncertain significance for Inborn genetic diseases. Last evaluated: 2023-12-22. Review status: criteria provided, single submitter. Criteria: Ambry Variant Classification Scheme 2023. Collection method: clinical testing. Allele origin: germline.
Comment: The p.T1503S variant (also known as c.4508C>G), located in coding exon 31 of the LRRK2 gene, results from a C to G substitution at nucleotide position 4508. The threonine at codon 1503 is replaced by serine, an amino acid with similar properties. This amino acid position is conserved. In addition, this alteration is predicted to be tolerated by in silico analysis. Since supporting evidence is limited at this time, the clinical significance of this alteration remains unclear.

NM_198578.4(LRRK2):c.4508C>G (p.Thr1503Ser)

Gene: LRRK2 (leucine rich repeat kinase 2; plus strand). Cytogenetic location: 12q12.
Variant type: single nucleotide variant.
Coding change: c.4508C>G on transcript NM_198578.4 (MANE Select); coding-DNA position 4508, C replaced by G.
Protein change: p.Thr1503Ser; replaces threonine 1503 with serine.
Molecular consequence: missense variant.
Genome position (GRCh38, 1-based): chr12:40,310,621, C>G. VCF-style: chr12-40310621-C-G. GRCh37 (hg19) VCF-style: chr12-40704423-C-G.
Other names: short protein forms T1503S.
Identifiers: ClinVar variation 3229658 (VCV003229658.1), dbSNP rs2499828373, ClinGen allele CA384418655.